The following is an entry in ClinVar:

NM_000059.4(BRCA2):c.6808G>A (p.Gly2270Arg)

Gene: BRCA2 (BRCA2 DNA repair associated; plus strand). Cytogenetic location: 13q13.1.
Variant type: single nucleotide variant.
Coding change: c.6808G>A on transcript NM_000059.4 (MANE Select); coding-DNA position 6808, G replaced by A.
Protein change: p.Gly2270Arg; replaces glycine 2270 with arginine.
Molecular consequence: missense variant.
Genome position (GRCh38, 1-based): chr13:32,341,163, G>A. VCF-style: chr13-32341163-G-A. GRCh37 (hg19) VCF-style: chr13-32915300-G-A.
Other names: c.6808G>A, p.Gly2270Arg (NM_001406719.1, NM_001406720.1); short protein forms G2270R.
Identifiers: ClinVar variation 2013461 (VCV002013461.7), dbSNP rs2137530827, ClinGen allele CA387791382.

ClinVar aggregate classification (germline): Conflicting classifications of pathogenicity. Review status: criteria provided, conflicting classifications (1 of 4 stars). 3 submissions from 3 submitters: Uncertain significance (2); Likely benign (1). Last evaluated 2024-11-26.

Conditions:
Hereditary cancer-predisposing syndrome. Also called: Hereditary Cancer Syndrome; Neoplastic Syndromes, Hereditary; Hereditary neoplastic syndrome; Tumor predisposition. Identifiers: Orphanet 140162, MedGen C0027672, MeSH D009386, MONDO:0015356.
Hereditary breast ovarian cancer syndrome. Also called: Hereditary breast and/or ovarian cancer syndrome; Hereditary breast and ovarian cancer syndrome; BRCA1- and BRCA2-Associated Hereditary Breast and Ovarian Cancer; Breast and ovarian cancer; Hereditary breast and ovarian cancer; Hereditary breast and ovarian cancer syndrome (HBOC). Identifiers: Orphanet 145, MedGen C0677776, MeSH D061325, MONDO:0003582. Disease mechanism: loss of function.

Allele frequency attached by ClinVar (database versions not stated): gnomAD exomes below 0.00001.
gnomAD v4.1: 1 of 1,613,832 alleles (0.000062%); highest among the groups gnomAD compares: Non-Finnish European, 0.000085%; no homozygotes.

Submissions (3):

Ambry Genetics
Classification: Uncertain significance for Hereditary cancer-predisposing syndrome. Last evaluated: 2024-11-26. Review status: criteria provided, single submitter. Criteria: Ambry Variant Classification Scheme 2023. Collection method: clinical testing. Allele origin: germline.
Comment: The p.G2270R variant (also known as c.6808G>A), located in coding exon 10 of the BRCA2 gene, results from a G to A substitution at nucleotide position 6808. The glycine at codon 2270 is replaced by arginine, an amino acid with dissimilar properties. This amino acid position is not well conserved in available vertebrate species. In addition, the in silico prediction for this alteration is inconclusive. Based on the available evidence, the clinical significance of this variant remains unclear.

Labcorp Genetics (formerly Invitae), Labcorp
Classification: Uncertain significance for Hereditary breast ovarian cancer syndrome. Last evaluated: 2023-04-06. Review status: criteria provided, single submitter. Criteria: Invitae Variant Classification Sherloc (09022015). Collection method: clinical testing. Allele origin: germline.
Comment: This sequence change replaces glycine, which is neutral and non-polar, with arginine, which is basic and polar, at codon 2270 of the BRCA2 protein (p.Gly2270Arg). This variant is not present in population databases (gnomAD no frequency). This variant has not been reported in the literature in individuals affected with BRCA2-related conditions. ClinVar contains an entry for this variant (Variation ID: 2013461). Advanced modeling of protein sequence and biophysical properties (such as structural, functional, and spatial information, amino acid conservation, physicochemical variation, residue mobility, and thermodynamic stability) performed at Invitae indicates that this missense variant is not expected to disrupt BRCA2 protein function. In summary, the available evidence is currently insufficient to determine the role of this variant in disease. Therefore, it has been classified as a Variant of Uncertain Significance.

University of Washington Department of Laboratory Medicine, University of Washington
Classification: Likely benign for Hereditary cancer-predisposing syndrome. Last evaluated: 2023-03-23. Review status: criteria provided, single submitter. Criteria: Dines et al. (Genet Med. 2020). Collection method: curation. Allele origin: germline.
Comment: Missense variant in a coldspot region where missense variants are very unlikely to be pathogenic (PMID:31911673).

BRCA2 exon 11 coldspot. Reclassification based on statistical prior probability.